The following is an entry in ClinVar:

ClinVar aggregate classification (germline): Uncertain significance (1 of 4 stars; one submission).

Conditions:
CYP21A2-related disorder. Also called: CYP21A2-related condition.

gnomAD v4.1: 12 of 1,607,240 alleles (0.00075%); highest among the groups gnomAD compares: Admixed American, 0.0017%; no homozygotes.

Submission:

PreventionGenetics, part of Exact Sciences
Classification: Uncertain significance for CYP21A2-related condition. Last evaluated: 2025-08-22. Review status: criteria provided, single submitter. Criteria: ACMG Guidelines, 2015. Collection method: clinical testing. Allele origin: germline.
Comment: The CYP21A2 c.844G>A variant is predicted to result in the amino acid substitution p.Val282Met. To our knowledge, this variant has not been reported in the literature. Of note, a different amino acid change at the same codon, defined as c.844G>T (p.Val282Leu) which is likely originated from the pseudogene CYP21A1P via gene conversion, is a common mild allele associated with non-classic congenital adrenal hyperplasia (CAH) (also known as V281L; see for example, New et al. 2013. PubMed ID: 23359698; Finkielstain et al. 2011. PubMed ID: 20926536). In addition, another rarer substitution at the same codon, defined as c.845T>G (p.Val282Gly), was reported in a patient with simple virilizing (SV) form of CAH (also known as V281G in the literature; Krone et al. 2000. PubMed ID: 10720040; Haider et al. 2013. PubMed ID: 23359706). The c.844G>A (p.Val282Met) variant is reported in 0.0028% of alleles in individuals of European (Non-Finnish) descent in gnomAD. This variant falls within a highly paralogous region. Allele frequency data should be interpreted with caution. Although we suspect that this variant is also pathogenic, at this time, the clinical significance of this variant is uncertain due to the absence of conclusive functional and genetic evidence.

NM_000500.9(CYP21A2):c.844G>A (p.Val282Met)

Genes: CYP21A2 (cytochrome P450 family 21 subfamily A member 2; plus strand), LOC106780800 (CYP21A2 recombination region; plus strand). Cytogenetic location: 6p21.33.
Variant type: single nucleotide variant.
Coding change: c.844G>A on transcript NM_000500.9 (MANE Select); coding-DNA position 844, G replaced by A.
Protein change: p.Val282Met; replaces valine 282 with methionine.
Molecular consequence: missense variant.
Genome position (GRCh38, 1-based): chr6:32,040,110, G>A. VCF-style: chr6-32040110-G-A. GRCh37 (hg19) VCF-style: chr6-32007887-G-A.
Other names: c.754G>A, p.Val252Met (NM_001128590.4); c.439G>A, p.Val147Met (NM_001368143.2, NM_001368144.2); short protein forms V147M, V252M, V282M.
Identifiers: ClinVar variation 4995178 (VCV004995178.1).
Genomic context (GRCh38, chr6:32,040,110, plus strand): 5'-CTCCAAGGGGTGGCGCAGCCGAGCATGGAAGAGGGCTCTGGACAGCTCCTGGAAGGGCAC[G>A]TGCACATGGCTGCAGTGGACCTCCTGATCGGTGGCACTGAGACCACAGCAAACACCCTCT-3'
Protein context (NP_000491.4, residues 272-292): EGSGQLLEGH[Val282Met]HMAAVDLLIG